The following is an entry in ClinVar:

NM_013444.4(UBQLN2):c.1619G>C (p.Ser540Thr)

Gene: UBQLN2 (ubiquilin 2; plus strand). Cytogenetic location: Xp11.21.
Variant type: single nucleotide variant.
Coding change: c.1619G>C on transcript NM_013444.4 (MANE Select); coding-DNA position 1619, G replaced by C.
Protein change: p.Ser540Thr; replaces serine 540 with threonine.
Molecular consequence: missense variant.
Genome position (GRCh38, 1-based): chrX:56,565,492, G>C. VCF-style: chrX-56565492-G-C. GRCh37 (hg19) VCF-style: chrX-56591925-G-C.
Other names: short protein forms S540T.
Identifiers: ClinVar variation 2580568 (VCV002580568.1), dbSNP rs1344936853, ClinGen allele CA413380922.

ClinVar aggregate classification (germline): Uncertain significance (1 of 4 stars; one submission).

Submission:

GeneDx
Classification: Uncertain significance. Last evaluated: 2023-02-28. Review status: criteria provided, single submitter. Criteria: GeneDx Variant Classification Process June 2021. Collection method: clinical testing. Allele origin: germline. Affected: yes.
Comment: Not observed at significant frequency in large population cohorts (gnomAD); In silico analysis supports that this missense variant does not alter protein structure/function; Has not been previously published as pathogenic or benign to our knowledge